The following is an entry in ClinVar:

NM_013275.6(ANKRD11):c.4999A>C (p.Lys1667Gln)

Gene: ANKRD11 (ankyrin repeat domain 11; minus strand). Cytogenetic location: 16q24.3.
Variant type: single nucleotide variant.
Coding change: c.4999A>C on transcript NM_013275.6 (MANE Select); coding-DNA position 4999, A replaced by C.
Protein change: p.Lys1667Gln; replaces lysine 1667 with glutamine.
Molecular consequence: missense variant.
Genome position (GRCh38, 1-based): chr16:89,281,543, T>G on the plus strand (A>C on the coding strand, the complement: ANKRD11 is on the minus strand). VCF-style: chr16-89281543-T-G. GRCh37 (hg19) VCF-style: chr16-89347951-T-G.
Other names: c.4999A>C, p.Lys1667Gln (NM_001256182.2, NM_001256183.2); short protein forms K1667Q.
Identifiers: ClinVar variation 2121649 (VCV002121649.4), dbSNP rs771001061, ClinGen allele CA8241981.

ClinVar aggregate classification (germline): Uncertain significance (1 of 4 stars; one submission).

Conditions:
KBG syndrome (KBGS). Also called: ANKRD11-Related KBG Syndrome. Identifiers: Orphanet 2332, MedGen C0220687, MONDO:0007846, OMIM 148050.

Allele frequency attached by ClinVar (database versions not stated): gnomAD exomes below 0.00001; ExAC 0.00001; gnomAD 0.00001.
gnomAD v4.1: 9 of 1,614,066 alleles (0.00056%); highest among the groups gnomAD compares: Non-Finnish European, 0.00068%; no homozygotes.

Submission:

Labcorp Genetics (formerly Invitae), Labcorp
Classification: Uncertain significance for KBG syndrome. Last evaluated: 2023-12-21. Review status: criteria provided, single submitter. Criteria: Invitae Variant Classification Sherloc (09022015). Collection method: clinical testing. Allele origin: germline.
Comment: This sequence change replaces lysine, which is basic and polar, with glutamine, which is neutral and polar, at codon 1667 of the ANKRD11 protein (p.Lys1667Gln). This variant is present in population databases (rs771001061, gnomAD 0.002%). This variant has not been reported in the literature in individuals affected with ANKRD11-related conditions. ClinVar contains an entry for this variant (Variation ID: 2121649). Advanced modeling of protein sequence and biophysical properties (such as structural, functional, and spatial information, amino acid conservation, physicochemical variation, residue mobility, and thermodynamic stability) performed at Invitae indicates that this missense variant is not expected to disrupt ANKRD11 protein function with a negative predictive value of 95%. In summary, the available evidence is currently insufficient to determine the role of this variant in disease. Therefore, it has been classified as a Variant of Uncertain Significance.